The following is an entry in ClinVar:

NM_006766.5(KAT6A):c.2440G>A (p.Gly814Arg)

Gene: KAT6A (lysine acetyltransferase 6A; minus strand). Cytogenetic location: 8p11.21.
Variant type: single nucleotide variant.
Coding change: c.2440G>A on transcript NM_006766.5 (MANE Select); coding-DNA position 2440, G replaced by A.
Protein change: p.Gly814Arg; replaces glycine 814 with arginine.
Molecular consequence: missense variant.
Genome position (GRCh38, 1-based): chr8:41,941,441, C>T on the plus strand (G>A on the coding strand, the complement: KAT6A is on the minus strand). VCF-style: chr8-41941441-C-T. GRCh37 (hg19) VCF-style: chr8-41798959-C-T.
Other names: short protein forms G814R.
Identifiers: ClinVar variation 3616325 (VCV003616325.2).
Genomic context (GRCh38, chr8:41,941,441, plus strand): 5'-TCTTTTCACTTTCTACTGAATAAGAATCTTGTTCTTTGTTCTCATGAGACACAGACTTTC[C>T]CACCTGATTTTAGAAAATAAAACAATGCTGGTTAATTTTTCAGTCTTGTTTGCTTACATT-3'
Protein context (NP_006757.2, residues 804-824): CQERELEISV[Gly814Arg]KSVSHENKEQ

ClinVar aggregate classification (germline): Conflicting classifications of pathogenicity. Review status: criteria provided, conflicting classifications (1 of 4 stars). 2 submissions from 2 submitters: Uncertain significance (1); Likely benign (1). Last evaluated 2024-11-01.

gnomAD v4.1: 5 of 1,578,834 alleles (0.00032%); highest among the groups gnomAD compares: Admixed American, 0.0019%; no homozygotes.

Submissions (2):

Women's Health and Genetics/Laboratory Corporation of America, LabCorp
Classification: Uncertain significance. Last evaluated: 2024-11-01. Review status: criteria provided, single submitter. Criteria: LabCorp Variant Classification Summary - May 2015. Collection method: clinical testing. Allele origin: germline.
Comment: Variant summary: KAT6A c.2440G>A (p.Gly814Arg) results in a non-conservative amino acid change in the encoded protein sequence. Three of five in-silico tools predict a benign effect of the variant on protein function. The variant allele was found at a frequency of 1.3e-05 in 223504 control chromosomes (gnomAD). The available data on variant occurrences in the general population are insufficient to allow any conclusion about variant significance. To our knowledge, no occurrence of c.2440G>A in individuals affected with Arboleda-Tham Syndrome and no experimental evidence demonstrating its impact on protein function have been reported. No submitters have cited clinical-significance assessments for this variant to ClinVar. Based on the evidence outlined above, the variant was classified as uncertain significance.

Labcorp Genetics (formerly Invitae), Labcorp
Classification: Likely benign. Last evaluated: 2024-01-29. Review status: criteria provided, single submitter. Criteria: Invitae Variant Classification Sherloc (09022015). Collection method: clinical testing. Allele origin: germline.